The following is an entry in ClinVar:

ClinVar aggregate classification (germline): Uncertain significance. Review status: criteria provided, multiple submitters, no conflicts (2 of 4 stars). 2 submissions from 2 submitters: Uncertain significance (2). Last evaluated 2026-04-09.

Conditions:
FGFR2-related craniosynostosis. Identifiers: MedGen CN231480.

gnomAD v4.1: 20 of 1,611,706 alleles (0.0012%); highest among the groups gnomAD compares: Non-Finnish European, 0.0015%; no homozygotes.

Submissions (2):

GeneDx
Classification: Uncertain significance. Last evaluated: 2026-04-09. Review status: criteria provided, single submitter. Criteria: GeneDx Variant Classification Process June 2021. Collection method: clinical testing. Allele origin: germline.
Comment: In silico analysis supports that this missense variant has a deleterious effect on protein structure/function; Has not been previously published as pathogenic or benign to our knowledge; This variant is associated with the following publications: (PMID: 11781872)

Labcorp Genetics (formerly Invitae), Labcorp
Classification: Uncertain significance for FGFR2-related craniosynostosis. Last evaluated: 2022-12-14. Review status: criteria provided, single submitter. Criteria: Invitae Variant Classification Sherloc (09022015). Collection method: clinical testing. Allele origin: germline.
Comment: In summary, the available evidence is currently insufficient to determine the role of this variant in disease. Therefore, it has been classified as a Variant of Uncertain Significance. Advanced modeling of protein sequence and biophysical properties (such as structural, functional, and spatial information, amino acid conservation, physicochemical variation, residue mobility, and thermodynamic stability) performed at Invitae indicates that this missense variant is expected to disrupt FGFR2 protein function. ClinVar contains an entry for this variant (Variation ID: 1706429). This variant has not been reported in the literature in individuals affected with FGFR2-related conditions. This variant is not present in population databases (gnomAD no frequency). This sequence change replaces alanine, which is neutral and non-polar, with threonine, which is neutral and polar, at codon 567 of the FGFR2 protein (p.Ala567Thr).

NM_000141.5(FGFR2):c.1699G>A (p.Ala567Thr)

Gene: FGFR2 (fibroblast growth factor receptor 2; minus strand). Cytogenetic location: 10q26.13.
Variant type: single nucleotide variant.
Coding change: c.1699G>A on transcript NM_000141.5 (MANE Select); coding-DNA position 1699, G replaced by A.
Protein change: p.Ala567Thr; replaces alanine 567 with threonine.
Molecular consequence: missense variant. On other transcripts: non-coding transcript variant (1).
Genome position (GRCh38, 1-based): chr10:121,496,696, C>T on the plus strand (G>A on the coding strand, the complement: FGFR2 is on the minus strand). VCF-style: chr10-121496696-C-T. GRCh37 (hg19) VCF-style: chr10-123256210-C-T.
Other names: c.1702G>A, p.Ala568Thr (NM_001144913.1, NM_022970.4); c.1363G>A, p.Ala455Thr (NM_001144914.1); c.1432G>A, p.Ala478Thr (NM_001144915.2, NM_023029.3); c.1354G>A, p.Ala452Thr (NM_001144916.2); c.1351G>A, p.Ala451Thr (NM_001144917.2); c.1348G>A, p.Ala450Thr (NM_001144918.2); c.1435G>A, p.Ala479Thr (NM_001144919.2); c.1015G>A, p.Ala339Thr (NM_001320654.2); and 1 more; short protein forms A339T, A450T, A451T, A452T, A455T, A478T, A479T, A565T.
Identifiers: ClinVar variation 1706429 (VCV001706429.6), dbSNP rs951260912, ClinGen allele CA214293497.